The following is an entry in ClinVar:

ClinVar aggregate classification (germline): Uncertain significance (1 of 4 stars; one submission).

Allele frequency attached by ClinVar (database versions not stated): TOPMed below 0.00001.

Submission:

GeneDx
Classification: Uncertain significance. Last evaluated: 2023-04-27. Review status: criteria provided, single submitter. Criteria: GeneDx Variant Classification Process June 2021. Collection method: clinical testing. Allele origin: germline. Affected: yes.
Comment: Frameshift variant predicted to result in protein truncation or nonsense mediated decay in a gene or region of a gene for which loss of function is not a well-established mechanism of disease; Not observed at significant frequency in large population cohorts (gnomAD); Has not been previously published as pathogenic or benign to our knowledge

NM_004958.4(MTOR):c.3282del (p.Lys1095fs)

Gene: MTOR (mechanistic target of rapamycin kinase; minus strand). Cytogenetic location: 1p36.22.
Variant type: Deletion.
Coding change: c.3282del on transcript NM_004958.4 (MANE Select); coding-DNA position 3282, one base deleted (C; older notation c.3282delC).
Protein change: p.Lys1095fs; shifts the reading frame from lysine 1095.
Molecular consequence: frameshift variant.
Genome position (GRCh38, 1-based): chr1:11,213,402, G deleted on the plus strand (C on the coding strand, the reverse complement: MTOR is on the minus strand). VCF-style (leftmost placement, unchanged base first): chr1-11213401-TG-T. GRCh37 (hg19) VCF-style: chr1-11273458-TG-T.
Other names: c.3282del, p.Lys1095fs (NM_001386500.1); c.2034del, p.Lys679fs (NM_001386501.1); c.3282delC, p.Lys1095Serfs (NM_004958.3); short protein forms K1095fs, K679fs.
Identifiers: ClinVar variation 3253272 (VCV003253272.1), dbSNP rs1646370834.